The following is an entry in ClinVar:

NM_020706.2(SCAF4):c.3143A>T (p.Glu1048Val)

Gene: SCAF4 (SR-related CTD associated factor 4; minus strand). Cytogenetic location: 21q22.11.
Variant type: single nucleotide variant.
Coding change: c.3143A>T on transcript NM_020706.2 (MANE Select); coding-DNA position 3143, A replaced by T.
Protein change: p.Glu1048Val; replaces glutamic acid 1048 with valine.
Molecular consequence: missense variant.
Genome position (GRCh38, 1-based): chr21:31,671,700, T>A on the plus strand (A>T on the coding strand, the complement: SCAF4 is on the minus strand). VCF-style: chr21-31671700-T-A. GRCh37 (hg19) VCF-style: chr21-33044013-T-A.
Other names: c.3098A>T, p.Glu1033Val (NM_001145444.1); c.3077A>T, p.Glu1026Val (NM_001145445.1); short protein forms E1026V, E1033V, E1048V.
Identifiers: ClinVar variation 3383890 (VCV003383890.1).

ClinVar aggregate classification (germline): Uncertain significance (1 of 4 stars; one submission).

Submission:

GeneDx
Classification: Uncertain significance. Last evaluated: 2024-05-30. Review status: criteria provided, single submitter. Criteria: GeneDx Variant Classification Process June 2021. Collection method: clinical testing. Allele origin: germline. Affected: yes.
Comment: Not observed at significant frequency in large population cohorts (gnomAD); In silico analysis supports that this missense variant has a deleterious effect on protein structure/function; Has not been previously published as pathogenic or benign to our knowledge